The following is an entry in ClinVar:

NM_018557.3(LRP1B):c.2785G>T (p.Val929Leu)

Gene: LRP1B (LDL receptor related protein 1B; minus strand). Cytogenetic location: 2q22.1.
Variant type: single nucleotide variant.
Coding change: c.2785G>T on transcript NM_018557.3 (MANE Select); coding-DNA position 2785, G replaced by T.
Protein change: p.Val929Leu; replaces valine 929 with leucine.
Molecular consequence: missense variant.
Genome position (GRCh38, 1-based): chr2:140,982,262, C>A on the plus strand (G>T on the coding strand, the complement: LRP1B is on the minus strand). VCF-style: chr2-140982262-C-A. GRCh37 (hg19) VCF-style: chr2-141739831-C-A.
Other names: short protein forms V929L.
Identifiers: ClinVar variation 3035091 (VCV003035091.2), dbSNP rs148724909, ClinGen allele CA1895620.

ClinVar aggregate classification (germline): Benign (0 of 4 stars; one submission).

Conditions:
LRP1B-related disorder. Also called: LRP1B-related condition.

Allele frequency attached by ClinVar (database versions not stated): ExAC 0.00118; ESP Exome Variant Server 0.00377; TOPMed 0.00427; 1000 Genomes Project 0.00459; 1000 Genomes Project 30x 0.00515.
gnomAD v4.1: 1,033 of 1,612,510 alleles (0.064%); highest among the groups gnomAD compares: African/African-American, 1.1%; 9 homozygotes.

Submission:

PreventionGenetics, part of Exact Sciences
Classification: Benign for LRP1B-related condition. Last evaluated: 2019-08-06. Review status: no assertion criteria provided. Collection method: clinical testing. Allele origin: germline.
Comment: This variant is classified as benign based on ACMG/AMP sequence variant interpretation guidelines (Richards et al. 2015 PMID: 25741868, with internal and published modifications).